The following is an entry in ClinVar:

NM_020461.4(TUBGCP6):c.1755C>T (p.Pro585=)

Gene: TUBGCP6 (tubulin gamma complex component 6; minus strand). Cytogenetic location: 22q13.33.
Variant type: single nucleotide variant.
Coding change: c.1755C>T on transcript NM_020461.4 (MANE Select); coding-DNA position 1755, C replaced by T.
Protein change: p.Pro585=; no amino-acid change (proline 585 retained).
Molecular consequence: synonymous variant.
Genome position (GRCh38, 1-based): chr22:50,226,128, G>A on the plus strand (C>T on the coding strand, the complement: TUBGCP6 is on the minus strand). VCF-style: chr22-50226128-G-A. GRCh37 (hg19) VCF-style: chr22-50664557-G-A.
Other names: c.1755C>T (NM_020461.3).
Identifiers: ClinVar variation 1646637 (VCV001646637.20), dbSNP rs773232500, ClinGen allele CA10308525.

ClinVar aggregate classification (germline): Likely benign. Review status: criteria provided, multiple submitters, no conflicts (2 of 4 stars). 3 submissions from 3 submitters: Likely benign (2). 1 of the submissions does not count toward it. Last evaluated 2025-12-19.

Conditions:
TUBGCP6-related disorder. Also called: TUBGCP6-related condition.

Allele frequency attached by ClinVar (database versions not stated): ExAC 0.00004; gnomAD 0.00004; gnomAD exomes 0.00004; TOPMed 0.00004.
gnomAD v4.1: 103 of 1,614,040 alleles (0.0064%); highest among the groups gnomAD compares: South Asian, 0.016%; no homozygotes.

Submissions (3):

Labcorp Genetics (formerly Invitae), Labcorp
Classification: Likely benign. Last evaluated: 2025-12-19. Review status: criteria provided, single submitter. Criteria: Invitae Variant Classification Sherloc (09022015). Collection method: clinical testing. Allele origin: germline.

CeGaT Center for Human Genetics Tuebingen
Classification: Likely benign. Last evaluated: 2025-04-01. Review status: criteria provided, single submitter. Criteria: CeGaT Center For Human Genetics Tuebingen Variant Classification Criteria Version 2. Collection method: clinical testing. Allele origin: germline. Affected: yes. Observed: 1 variant allele.
Comment: TUBGCP6: BP4, BP7

PreventionGenetics, part of Exact Sciences
Classification: Likely benign for TUBGCP6-related condition. Last evaluated: 2019-09-20. Review status: no assertion criteria provided. Collection method: clinical testing. Allele origin: germline. Not counted in ClinVar's aggregate classification.
Comment: This variant is classified as likely benign based on ACMG/AMP sequence variant interpretation guidelines (Richards et al. 2015 PMID: 25741868, with internal and published modifications).